The following is an entry in ClinVar:

NM_015910.7(WDPCP):c.1799del (p.Arg600fs)

Gene: WDPCP (WD repeat containing planar cell polarity effector; minus strand). Cytogenetic location: 2p15.
Variant type: Deletion.
Coding change: c.1799del on transcript NM_015910.7 (MANE Select); coding-DNA position 1799, one base deleted (G; older notation c.1799delG).
Protein change: p.Arg600fs; shifts the reading frame from arginine 600.
Molecular consequence: frameshift variant. On other transcripts: non-coding transcript variant (3).
Genome position (GRCh38, 1-based): chr2:63,313,261, C deleted on the plus strand (G on the coding strand, the reverse complement: WDPCP is on the minus strand). VCF-style (leftmost placement, unchanged base first): chr2-63313260-AC-A. GRCh37 (hg19) VCF-style: chr2-63540395-AC-A.
Other names: c.1322del, p.Arg441fs (NM_001042692.3); c.1727del, p.Arg576fs (NM_001354044.2); short protein forms R600fs, R576fs, R441fs.
Identifiers: ClinVar variation 2185680 (VCV002185680.4), dbSNP rs776780491, ClinGen allele CA1682108.

ClinVar aggregate classification (germline): Pathogenic (1 of 4 stars; one submission).

Conditions:
Bardet-Biedl syndrome (BBS). Identifiers: Orphanet 110, MedGen C0752166, MONDO:0015229.

Allele frequency attached by ClinVar (database versions not stated): ExAC 0.00001; gnomAD 0.00001; gnomAD exomes 0.00001; TOPMed 0.00001.

Submission:

Labcorp Genetics (formerly Invitae), Labcorp
Classification: Pathogenic for Bardet-Biedl syndrome. Last evaluated: 2022-11-01. Review status: criteria provided, single submitter. Criteria: Invitae Variant Classification Sherloc (09022015). Collection method: clinical testing. Allele origin: germline.
Comment: This sequence change creates a premature translational stop signal (p.Arg600Leufs*12) in the WDPCP gene. It is expected to result in an absent or disrupted protein product. Loss-of-function variants in WDPCP are known to be pathogenic (PMID: 20671153, 25427950, 27158779). This variant is present in population databases (rs776780491, gnomAD 0.002%). This variant has not been reported in the literature in individuals affected with WDPCP-related conditions. For these reasons, this variant has been classified as Pathogenic.

Literature cited by the submitters: PubMed 20671153; PubMed 25427950; PubMed 27158779.